The following is an entry in ClinVar:

NM_005876.5(SPEG):c.9370A>G (p.Thr3124Ala)

Genes: ASIC4-AS1 (ASIC4 antisense RNA 1; minus strand), SPEG (striated muscle enriched protein kinase; plus strand). Cytogenetic location: 2q35.
Variant type: single nucleotide variant.
Coding change: c.9370A>G on transcript NM_005876.5 (MANE Select); coding-DNA position 9370, A replaced by G.
Protein change: p.Thr3124Ala; replaces threonine 3124 with alanine.
Molecular consequence: missense variant.
Genome position (GRCh38, 1-based): chr2:219,490,941, A>G. VCF-style: chr2-219490941-A-G. GRCh37 (hg19) VCF-style: chr2-220355663-A-G.
Other names: short protein forms T3124A.
Identifiers: ClinVar variation 1481138 (VCV001481138.6), dbSNP rs2125599988, ClinGen allele CA350716189.

ClinVar aggregate classification (germline): Uncertain significance (1 of 4 stars; one submission).

Allele frequency attached by ClinVar (database versions not stated): gnomAD exomes below 0.00001.
gnomAD v4.1: 1 of 1,612,594 alleles (0.000062%); highest among the groups gnomAD compares: Admixed American, 0.0017%; no homozygotes.

Submission:

Labcorp Genetics (formerly Invitae), Labcorp
Classification: Uncertain significance. Last evaluated: 2021-07-31. Review status: criteria provided, single submitter. Criteria: Invitae Variant Classification Sherloc (09022015). Collection method: clinical testing. Allele origin: germline.
Comment: In summary, the available evidence is currently insufficient to determine the role of this variant in disease. Therefore, it has been classified as a Variant of Uncertain Significance. Algorithms developed to predict the effect of missense changes on protein structure and function are either unavailable or do not agree on the potential impact of this missense change (SIFT: "Deleterious"; PolyPhen-2: "Benign"; Align-GVGD: "Class C0"). This variant has not been reported in the literature in individuals affected with SPEG-related conditions. This variant is not present in population databases (ExAC no frequency). This sequence change replaces threonine with alanine at codon 3124 of the SPEG protein (p.Thr3124Ala). The threonine residue is highly conserved and there is a small physicochemical difference between threonine and alanine.